The following is an entry in ClinVar:

ClinVar aggregate classification (germline): Pathogenic (1 of 4 stars; one submission).

Conditions:
Hereditary breast ovarian cancer syndrome. Also called: Hereditary breast and ovarian cancer; Breast and ovarian cancer; BRCA1- and BRCA2-Associated Hereditary Breast and Ovarian Cancer; Hereditary breast and/or ovarian cancer syndrome; Hereditary breast and ovarian cancer syndrome; Hereditary breast and ovarian cancer syndrome (HBOC). Identifiers: Orphanet 145, MedGen C0677776, MeSH D061325, MONDO:0003582. Disease mechanism: loss of function.

Submission:

Labcorp Genetics (formerly Invitae), Labcorp
Classification: Pathogenic for Hereditary breast ovarian cancer syndrome. Last evaluated: 2017-04-27. Review status: criteria provided, single submitter. Criteria: Invitae Variant Classification Sherloc (09022015). Collection method: clinical testing. Allele origin: germline.
Comment: This variant is a gross deletion of the genomic region encompassing exons 2-11 of the BRCA1 gene, which includes the initiator codon. The 5' end of this event is unknown as it extends beyond the assayed region for this gene and therefore may encompass additional genes. The 3' boundary is likely confined to intron 11 of the BRCA1 gene. This is expected to result in an absent or disrupted protein product. While this particular deletion has not been reported in the literature, loss-of-function variants including gross deletions in BRCA1 are known to be pathogenic (PMID: 19393826, 24825132, 23479189, 21120943, 207276720). Gross deletions of exons 1-11 (also known as exons 1-12 in the literature) have been reported in individuals with breast cancer (PMID: 16551709, 21404118). For these reasons, this variant has been classified as Pathogenic.

Literature cited by the submitters: PubMed 19393826; PubMed 24825132; PubMed 23479189; PubMed 21120943; PubMed 207276720; PubMed 16551709; PubMed 21404118.

NC_000017.10:g.(?_41242955)_(41276119_?)del

Gene: BRCA1 (BRCA1 DNA repair associated; minus strand). Cytogenetic location: 17q21.31.
Variant type: Deletion.
Identifiers: ClinVar variation 1075231 (VCV001075231.1).